The following is an entry in ClinVar:

ClinVar aggregate classification (germline): Uncertain significance (1 of 4 stars; one submission).

Conditions:
Deficiency of isobutyryl-CoA dehydrogenase. Also called: ACYL-CoA DEHYDROGENASE FAMILY, MEMBER 8, DEFICIENCY OF; IBD DEFICIENCY; ACAD8 DEFICIENCY. Identifiers: Orphanet 79159, MedGen C1969809, MONDO:0012648, OMIM 611283.

Submission:

Labcorp Genetics (formerly Invitae), Labcorp
Classification: Uncertain significance for Deficiency of isobutyryl-CoA dehydrogenase. Last evaluated: 2025-06-22. Review status: criteria provided, single submitter. Criteria: Invitae Variant Classification Sherloc (09022015). Collection method: clinical testing. Allele origin: germline.
Comment: This sequence change replaces cysteine, which is neutral and slightly polar, with glycine, which is neutral and non-polar, at codon 217 of the ACAD8 protein (p.Cys217Gly). This variant is not present in population databases (gnomAD no frequency). This variant has not been reported in the literature in individuals affected with ACAD8-related conditions. Invitae Evidence Modeling of protein sequence and biophysical properties (such as structural, functional, and spatial information, amino acid conservation, physicochemical variation, residue mobility, and thermodynamic stability) has been performed for this missense variant. However, the output from this modeling did not meet the statistical confidence thresholds required to predict the impact of this variant on ACAD8 protein function. In summary, the available evidence is currently insufficient to determine the role of this variant in disease. Therefore, it has been classified as a Variant of Uncertain Significance.

NM_014384.3(ACAD8):c.649T>G (p.Cys217Gly)

Gene: ACAD8 (acyl-CoA dehydrogenase family member 8; plus strand). Cytogenetic location: 11q25.
Variant type: single nucleotide variant.
Coding change: c.649T>G on transcript NM_014384.3 (MANE Select); coding-DNA position 649, T replaced by G.
Protein change: p.Cys217Gly; replaces cysteine 217 with glycine.
Molecular consequence: missense variant.
Genome position (GRCh38, 1-based): chr11:134,259,689, T>G. VCF-style: chr11-134259689-T-G. GRCh37 (hg19) VCF-style: chr11-134129583-T-G.
Other names: c.649T>G, p.Cys217Gly (NM_001441136.1, NM_001441137.1); c.355T>G, p.Cys119Gly (NM_001441138.1); short protein forms C119G, C217G.
Identifiers: ClinVar variation 4709526 (VCV004709526.1).